The following is an entry in ClinVar:

NM_000350.3(ABCA4):c.1712T>C (p.Ile571Thr)

Gene: ABCA4 (ATP binding cassette subfamily A member 4; minus strand). Cytogenetic location: 1p22.1.
Variant type: single nucleotide variant.
Coding change: c.1712T>C on transcript NM_000350.3 (MANE Select); coding-DNA position 1712, T replaced by C.
Protein change: p.Ile571Thr; replaces isoleucine 571 with threonine.
Molecular consequence: missense variant.
Genome position (GRCh38, 1-based): chr1:94,063,160, A>G on the plus strand (T>C on the coding strand, the complement: ABCA4 is on the minus strand). VCF-style: chr1-94063160-A-G. GRCh37 (hg19) VCF-style: chr1-94528716-A-G.
Other names: c.1712T>C, p.Ile571Thr (NM_001425324.1); short protein forms I571T.
Identifiers: ClinVar variation 3638500 (VCV003638500.2).

ClinVar aggregate classification (germline): Pathogenic (1 of 4 stars; one submission).

gnomAD v4.1: 1 of 1,614,022 alleles (0.000062%); highest among the groups gnomAD compares: South Asian, 0.0011%; no homozygotes.

Submission:

Labcorp Genetics (formerly Invitae), Labcorp
Classification: Pathogenic. Last evaluated: 2024-02-02. Review status: criteria provided, single submitter. Criteria: Invitae Variant Classification Sherloc (09022015). Collection method: clinical testing. Allele origin: germline.
Comment: This sequence change replaces isoleucine, which is neutral and non-polar, with threonine, which is neutral and polar, at codon 571 of the ABCA4 protein (p.Ile571Thr). This variant is not present in population databases (gnomAD no frequency). This missense change has been observed in individual(s) with Stargardt Disease (Invitae). Advanced modeling of protein sequence and biophysical properties (such as structural, functional, and spatial information, amino acid conservation, physicochemical variation, residue mobility, and thermodynamic stability) performed at Invitae indicates that this missense variant is expected to disrupt ABCA4 protein function with a positive predictive value of 95%. For these reasons, this variant has been classified as Pathogenic.